The following is an entry in ClinVar:

NM_001384474.1(LOXHD1):c.6731C>T (p.Thr2244Ile)

Gene: LOXHD1 (lipoxygenase homology PLAT domains 1; minus strand). Cytogenetic location: 18q21.1.
Variant type: single nucleotide variant.
Coding change: c.6731C>T on transcript NM_001384474.1 (MANE Select); coding-DNA position 6731, C replaced by T.
Protein change: p.Thr2244Ile; replaces threonine 2244 with isoleucine.
Molecular consequence: missense variant. On other transcripts: intron variant (3).
Genome position (GRCh38, 1-based): chr18:46,477,563, G>A on the plus strand (C>T on the coding strand, the complement: LOXHD1 is on the minus strand). VCF-style: chr18-46477563-G-A. GRCh37 (hg19) VCF-style: chr18-44057526-G-A.
Other names: c.1448C>T, p.Thr483Ile (NM_001145473.3); c.6545C>T, p.Thr2182Ile (NM_144612.7); c.3307+91C>T (NM_001145472.3); c.3033+77C>T (NM_001308013.2); c.1371+77C>T (NM_001173129.2); short protein forms T2182I, T483I, T2244I.
Identifiers: ClinVar variation 889098 (VCV000889098.8), dbSNP rs561740845, ClinGen allele CA8952019.
Genomic context (GRCh38, chr18:46,477,563, plus strand): 5'-AGTCCATCCCCCCGCTTCTTGTCCAGCCACCTGCCACAGTTGAAGATGGTGGCCACGCCG[G>A]TGCTGGTGTTGGTGACCTCCACCTTCTCCACCAGCCAGCCTGAGCAGTAGCCACTGCTGT-3'
Protein context (NP_001371403.1, residues 2234-2254): VEKVEVTNTS[Thr2244Ile]GVATIFNCGR

ClinVar aggregate classification (germline): Uncertain significance. Review status: criteria provided, multiple submitters, no conflicts (2 of 4 stars). 4 submissions from 4 submitters: Uncertain significance (4). Last evaluated 2026-05-07.

Conditions:
LOXHD1-related disorder. Also called: LOXHD1-related condition.
Inborn genetic diseases. Identifiers: MedGen C0950123, MeSH D030342.
Autosomal recessive nonsyndromic hearing loss 77. Identifiers: Orphanet 90636, MedGen C2746083, MONDO:0013119, OMIM 613079.

Allele frequency attached by ClinVar (database versions not stated): gnomAD exomes 0.00003 and 0.00007; 1000 Genomes Project 30x 0.00016; ExAC 0.00016; 1000 Genomes Project 0.00020; gnomAD 0.00038 and 0.00041; TOPMed 0.00042.
gnomAD v4.1: 99 of 1,551,680 alleles (0.0064%); highest among the groups gnomAD compares: African/African-American, 0.12%; no homozygotes.

Submissions (4):

PreventionGenetics, part of Exact Sciences
Classification: Uncertain significance for LOXHD1-related condition. Last evaluated: 2026-05-07. Review status: criteria provided, single submitter. Criteria: ACMG Guidelines, 2015. Collection method: clinical testing. Allele origin: germline.
Comment: The LOXHD1 c.6545C>T variant is predicted to result in the amino acid substitution p.Thr2182Ile. To our knowledge, this variant has not been reported in the literature. This variant is reported in 0.15% of alleles in individuals of African descent in gnomAD. Although we suspect that this variant may be benign, at this time, the clinical significance of this variant is uncertain due to the absence of conclusive functional and genetic evidence.

Ambry Genetics
Classification: Uncertain significance for Inborn genetic diseases. Last evaluated: 2025-11-26. Review status: criteria provided, single submitter. Criteria: Ambry Variant Classification Scheme 2023. Collection method: clinical testing. Allele origin: germline.

Labcorp Genetics (formerly Invitae), Labcorp
Classification: Uncertain significance. Last evaluated: 2024-11-26. Review status: criteria provided, single submitter. Criteria: Invitae Variant Classification Sherloc (09022015). Collection method: clinical testing. Allele origin: germline.
Comment: This sequence change replaces threonine, which is neutral and polar, with isoleucine, which is neutral and non-polar, at codon 2182 of the LOXHD1 protein (p.Thr2182Ile). This variant is present in population databases (rs561740845, gnomAD 0.2%). This variant has not been reported in the literature in individuals affected with LOXHD1-related conditions. ClinVar contains an entry for this variant (Variation ID: 889098). An algorithm developed to predict the effect of missense changes on protein structure and function (PolyPhen-2) suggests that this variant¬†is likely to be tolerated. In summary, the available evidence is currently insufficient to determine the role of this variant in disease. Therefore, it has been classified as a Variant of Uncertain Significance.

Illumina Laboratory Services, Illumina
Classification: Uncertain significance for Autosomal recessive nonsyndromic hearing loss 77. Last evaluated: 2018-01-12. Review status: criteria provided, single submitter. Criteria: ICSL Variant Classification Criteria 13 December 2019. Collection method: clinical testing. Allele origin: germline.